The following is an entry in ClinVar:

ClinVar aggregate classification (germline): Uncertain significance (1 of 4 stars; one submission).

Conditions:
Bethlem myopathy 1A. Also called: Bethlem myopathy 1; MYOPATHY, BENIGN CONGENITAL, WITH CONTRACTURES; Bethlem Muscular Dystrophy. Identifiers: Orphanet 610, MedGen CN029274, MONDO:0024530, OMIM 158810.

gnomAD v4.1: 1 of 1,612,136 alleles (0.000062%); no homozygotes.

Submission:

Labcorp Genetics (formerly Invitae), Labcorp
Classification: Uncertain significance for Bethlem myopathy 1A. Last evaluated: 2024-05-16. Review status: criteria provided, single submitter. Criteria: Invitae Variant Classification Sherloc (09022015). Collection method: clinical testing. Allele origin: germline.
Comment: This sequence change replaces proline, which is neutral and non-polar, with serine, which is neutral and polar, at codon 525 of the COL6A1 protein (p.Pro525Ser). This variant is not present in population databases (gnomAD no frequency). This variant has not been reported in the literature in individuals affected with COL6A1-related conditions. An algorithm developed to predict the effect of missense changes on protein structure and function (PolyPhen-2) suggests that this variant is likely to be disruptive. In summary, the available evidence is currently insufficient to determine the role of this variant in disease. Therefore, it has been classified as a Variant of Uncertain Significance.

NM_001848.3(COL6A1):c.1573C>T (p.Pro525Ser)

Gene: COL6A1 (collagen type VI alpha 1 chain; plus strand). Cytogenetic location: 21q22.3.
Variant type: single nucleotide variant.
Coding change: c.1573C>T on transcript NM_001848.3 (MANE Select); coding-DNA position 1573, C replaced by T.
Protein change: p.Pro525Ser; replaces proline 525 with serine.
Molecular consequence: missense variant.
Genome position (GRCh38, 1-based): chr21:45,998,169, C>T. VCF-style: chr21-45998169-C-T. GRCh37 (hg19) VCF-style: chr21-47418083-C-T.
Other names: short protein forms P525S.
Identifiers: ClinVar variation 3626797 (VCV003626797.2).